The following is an entry in ClinVar:

ClinVar aggregate classification (germline): Uncertain significance (1 of 4 stars; one submission).

Allele frequency attached by ClinVar (database versions not stated): ExAC 0.00002; gnomAD exomes 0.00002 and 0.00003; TOPMed 0.00004; gnomAD 0.00007.
gnomAD v4.1: 48 of 1,613,836 alleles (0.003%); highest among the groups gnomAD compares: Non-Finnish European, 0.0038%; no homozygotes.

Submission:

Labcorp Genetics (formerly Invitae), Labcorp
Classification: Uncertain significance. Last evaluated: 2022-06-05. Review status: criteria provided, single submitter. Criteria: Invitae Variant Classification Sherloc (09022015). Collection method: clinical testing. Allele origin: germline.
Comment: In summary, the available evidence is currently insufficient to determine the role of this variant in disease. Therefore, it has been classified as a Variant of Uncertain Significance. Algorithms developed to predict the effect of missense changes on protein structure and function output the following: SIFT: "Tolerated"; PolyPhen-2: "Benign"; Align-GVGD: "Class C0". The glutamine amino acid residue is found in multiple mammalian species, which suggests that this missense change does not adversely affect protein function. ClinVar contains an entry for this variant (Variation ID: 1399240). This variant has not been reported in the literature in individuals affected with MACF1-related conditions. This variant is present in population databases (rs747980625, gnomAD 0.004%). This sequence change replaces arginine, which is basic and polar, with glutamine, which is neutral and polar, at codon 3842 of the MACF1 protein (p.Arg3842Gln).

NM_001394062.1(MACF1):c.17711G>A (p.Arg5904Gln)

Gene: MACF1 (microtubule actin crosslinking factor 1; plus strand). Cytogenetic location: 1p34.3.
Variant type: single nucleotide variant.
Coding change: c.17711G>A on transcript NM_001394062.1 (MANE Select); coding-DNA position 17711, G replaced by A.
Protein change: p.Arg5904Gln; replaces arginine 5904 with glutamine.
Molecular consequence: missense variant.
Genome position (GRCh38, 1-based): chr1:39,434,559, G>A. VCF-style: chr1-39434559-G-A. GRCh37 (hg19) VCF-style: chr1-39900231-G-A.
Other names: c.11525G>A, p.Arg3842Gln (NM_012090.5); short protein forms R3842Q, R5904Q.
Identifiers: ClinVar variation 1399240 (VCV001399240.6), dbSNP rs747980625, ClinGen allele CA783692.